The following is an entry in ClinVar:

ClinVar aggregate classification (germline): Uncertain significance (1 of 4 stars; one submission).

Allele frequency attached by ClinVar (database versions not stated): TOPMed below 0.00001; gnomAD 0.00001; gnomAD exomes 0.00001.
gnomAD v4.1: 14 of 1,613,232 alleles (0.00087%); highest among the groups gnomAD compares: Admixed American, 0.0017%; no homozygotes.

Submission:

Labcorp Genetics (formerly Invitae), Labcorp
Classification: Uncertain significance. Last evaluated: 2022-09-19. Review status: criteria provided, single submitter. Criteria: Invitae Variant Classification Sherloc (09022015). Collection method: clinical testing. Allele origin: germline.
Comment: This sequence change falls in intron 21 of the CARMIL2 gene. It does not directly change the encoded amino acid sequence of the CARMIL2 protein. It affects a nucleotide within the consensus splice site. This variant is not present in population databases (gnomAD no frequency). This variant has not been reported in the literature in individuals affected with CARMIL2-related conditions. Variants that disrupt the consensus splice site are a relatively common cause of aberrant splicing (PMID: 17576681, 9536098). Algorithms developed to predict the effect of sequence changes on RNA splicing suggest that this variant may create or strengthen a splice site. In summary, the available evidence is currently insufficient to determine the role of this variant in disease. Therefore, it has been classified as a Variant of Uncertain Significance.

Literature cited by the submitters: PubMed 17576681; PubMed 9536098.

NM_001013838.3(CARMIL2):c.2082+5G>T

Gene: CARMIL2 (capping protein regulator and myosin 1 linker 2; plus strand). Cytogenetic location: 16q22.1.
Variant type: single nucleotide variant.
Coding change: c.2082+5G>T on transcript NM_001013838.3 (MANE Select); 5 bases into the intron after coding-DNA position 2082, G replaced by T.
Molecular consequence: intron variant.
Genome position (GRCh38, 1-based): chr16:67,649,973, G>T. VCF-style: chr16-67649973-G-T. GRCh37 (hg19) VCF-style: chr16-67683876-G-T.
Other names: c.1974+5G>T (NM_001317026.3).
Identifiers: ClinVar variation 2003940 (VCV002003940.1), dbSNP rs2052692268, ClinGen allele CA978432123.